The following is an entry in ClinVar:

NM_001356.5(DDX3X):c.1037del (p.Val345_Leu346insTer)

Gene: DDX3X (DEAD-box helicase 3 X-linked; plus strand). Cytogenetic location: Xp11.4.
Variant type: Deletion.
Coding change: c.1037del on transcript NM_001356.5 (MANE Select); coding-DNA position 1037, one base deleted (T; older notation c.1037delT).
Protein change: p.Val345_Leu346insTer.
Molecular consequence: nonsense. On other transcripts: non-coding transcript variant (1).
Genome position (GRCh38, 1-based): chrX:41,345,191, T deleted; the last of 2 consecutive T bases (chrX:41,345,190-41,345,191); deleting either gives the same sequence. VCF-style (leftmost placement, unchanged base first): chrX-41345189-GT-G. GRCh37 (hg19) VCF-style: chrX-41204442-GT-G.
Other names: c.1037del, p.Val345_Leu346insTer (NM_001193416.3); c.989del, p.Val329_Leu330insTer (NM_001193417.3); c.479del, p.Val159_Leu160insTer (NM_001363819.1).
Identifiers: ClinVar variation 2111569 (VCV002111569.4), dbSNP rs2519518432, ClinGen allele CA2580100988.

ClinVar aggregate classification (germline): Pathogenic (1 of 4 stars; one submission).

Submission:

Labcorp Genetics (formerly Invitae), Labcorp
Classification: Pathogenic. Last evaluated: 2022-03-14. Review status: criteria provided, single submitter. Criteria: Invitae Variant Classification Sherloc (09022015). Collection method: clinical testing. Allele origin: germline.
Comment: For these reasons, this variant has been classified as Pathogenic. This variant has not been reported in the literature in individuals affected with DDX3X-related conditions. This variant is not present in population databases (gnomAD no frequency). This sequence change creates a premature translational stop signal (p.Leu346*) in the DDX3X gene. It is expected to result in an absent or disrupted protein product. Loss-of-function variants in DDX3X are known to be pathogenic (PMID: 26235985).

Literature cited by the submitters: PubMed 26235985.